The following is an entry in ClinVar:

ClinVar aggregate classification (germline): Uncertain significance (1 of 4 stars; one submission).

Conditions:
Ornithine carbamoyltransferase deficiency (OTCD). Also called: Ornithine Carbamoyltransferase Deficiency Disease; OTC DEFICIENCY; ORNITHINE TRANSCARBAMYLASE DEFICIENCY; ORNITHINE TRANSCARBAMYLASE DEFICIENCY, HYPERAMMONEMIA DUE TO. Identifiers: Orphanet 664, MedGen C0268542, MONDO:0010703, OMIM 311250.

Submission:

3billion
Classification: Uncertain significance for Ornithine carbamoyltransferase deficiency. Last evaluated: 2024-02-26. Review status: criteria provided, single submitter. Criteria: ACMG Guidelines, 2015. Collection method: clinical testing. Allele origin: germline. Affected: yes.
Comment: The variant is not observed in the gnomAD v2.1.1 dataset. Predicted Consequence/Location: Missense variant In silico tool predictions suggest damaging effect of the variant on gene or gene product [REVEL: 0.90 (>=0.6, sensitivity 0.68 and specificity 0.92); 3Cnet: 0.68 (>=0.6, sensitivity 0.72 and precision 0.9)]. Therefore, this variant is classified as VUS according to the recommendation of ACMG/AMP guideline.

NM_000531.6(OTC):c.818A>T (p.Glu273Val)

Gene: OTC (ornithine transcarbamylase; plus strand). Cytogenetic location: Xp11.4.
Variant type: single nucleotide variant.
Coding change: c.818A>T on transcript NM_000531.6 (MANE Select); coding-DNA position 818, A replaced by T.
Protein change: p.Glu273Val; replaces glutamic acid 273 with valine.
Molecular consequence: missense variant.
Genome position (GRCh38, 1-based): chrX:38,408,976, A>T. VCF-style: chrX-38408976-A-T. GRCh37 (hg19) VCF-style: chrX-38268229-A-T.
Other names: c.818A>T, p.Glu273Val (NM_001407092.1); short protein forms E273V.
Identifiers: ClinVar variation 3775898 (VCV003775898.1).